The following is an entry in ClinVar:

NC_000015.9:g.(?_89824391)_(89828459_?)del

Gene: FANCI (FA complementation group I; plus strand). Cytogenetic location: 15q26.1.
Variant type: Deletion.
Identifiers: ClinVar variation 3243699 (VCV003243699.1).

ClinVar aggregate classification (germline): Pathogenic (1 of 4 stars; one submission).

Conditions:
Fanconi anemia (FA). Also called: Fanconi's anemia. Identifiers: Orphanet 84, MedGen C0015625, MeSH D005199, MONDO:0019391.

Submission:

Labcorp Genetics (formerly Invitae), Labcorp
Classification: Pathogenic for Fanconi anemia. Last evaluated: 2023-04-28. Review status: criteria provided, single submitter. Criteria: Invitae Variant Classification Sherloc (09022015). Collection method: clinical testing. Allele origin: unknown.
Comment: For these reasons, this variant has been classified as Pathogenic. This variant has not been reported in the literature in individuals affected with FANCI-related conditions. This variant is a gross deletion of the genomic region encompassing exon(s) 15-18 of the FANCI gene. This deletion is out-of-frame, and is expected to create a premature termination codon and result in an absent or disrupted protein product. Loss-of-function variants in FANCI are known to be pathogenic (PMID: 17452773, 17460694).

Literature cited by the submitters: PubMed 17452773; PubMed 17460694.